The following is an entry in ClinVar:

ClinVar aggregate classification (germline): Likely pathogenic (1 of 4 stars; one submission).

Conditions:
Developmental and epileptic encephalopathy, 54. Also called: HNRNPU-Related Neurodevelopmental Disorder; Epileptic encephalopathy, early infantile, 54. Identifiers: MedGen C4479319, MONDO:0033363, OMIM 617391.

Submission:

Labcorp Genetics (formerly Invitae), Labcorp
Classification: Likely pathogenic for Developmental and epileptic encephalopathy, 54. Last evaluated: 2020-03-11. Review status: criteria provided, single submitter. Criteria: Invitae Variant Classification Sherloc (09022015). Collection method: clinical testing. Allele origin: germline.
Comment: This sequence change affects a donor splice site in intron 2 of the HNRNPU gene. It is expected to disrupt RNA splicing and likely results in an absent or disrupted protein product. This variant is not present in population databases (ExAC no frequency). This variant has not been reported in the literature in individuals with HNRNPU-related conditions. Algorithms developed to predict the effect of sequence changes on RNA splicing suggest that this variant may disrupt the consensus splice site, but this prediction has not been confirmed by published transcriptional studies. Donor and acceptor splice site variants typically lead to a loss of protein function (PMID: 16199547), and loss-of-function variants in HNRNPU are known to be pathogenic (PMID: 22678713, 28283832). In summary, the currently available evidence indicates that the variant is pathogenic, but additional data are needed to prove that conclusively. Therefore, this variant has been classified as Likely Pathogenic.

Literature cited by the submitters: PubMed 16199547; PubMed 22678713; PubMed 28283832.

NM_031844.3(HNRNPU):c.803+2T>C

Gene: HNRNPU (heterogeneous nuclear ribonucleoprotein U; minus strand). Cytogenetic location: 1q44.
Variant type: single nucleotide variant.
Coding change: c.803+2T>C on transcript NM_031844.3 (MANE Select); the canonical splice donor site of the intron after coding-DNA position 803, T replaced by C.
Molecular consequence: splice donor variant.
Genome position (GRCh38, 1-based): chr1:244,862,617, A>G on the plus strand (T>C on the coding strand, the complement: HNRNPU is on the minus strand). VCF-style: chr1-244862617-A-G. GRCh37 (hg19) VCF-style: chr1-245025919-A-G.
Other names: c.746+2T>C (NM_004501.3).
Identifiers: ClinVar variation 1066918 (VCV001066918.7), dbSNP rs112081356, ClinGen allele CA345495206.